The following is an entry in ClinVar:

ClinVar aggregate classification (germline): Likely benign. Review status: criteria provided, multiple submitters, no conflicts (2 of 4 stars). 5 submissions from 5 submitters: Likely benign (5). Last evaluated 2025-08-30.

Conditions:
KCNQ4-related disorder. Also called: KCNQ4-related condition.
Autosomal dominant nonsyndromic hearing loss 2A. Also called: DFNA2 Nonsyndromic Hearing Loss; Deafness, autosomal dominant 2A; Autosomal dominant nonsyndromic deafness 2A. Identifiers: Orphanet 90635, MedGen C2677637, MONDO:0010817, OMIM 600101.

Allele frequency attached by ClinVar (database versions not stated): TOPMed 0.00005; ESP Exome Variant Server 0.00008; gnomAD 0.00010; 1000 Genomes Project 30x 0.00031; 1000 Genomes Project 0.00040.
gnomAD v4.1: 129 of 1,614,018 alleles (0.008%); highest among the groups gnomAD compares: Middle Eastern, 0.13%; no homozygotes.

Submissions (5):

PreventionGenetics, part of Exact Sciences
Classification: Likely benign for KCNQ4-related condition. Last evaluated: 2025-08-30. Review status: criteria provided, single submitter. Criteria: ACMG Guidelines, 2015. Collection method: clinical testing. Allele origin: germline.
Comment: This variant is classified as likely benign based on ACMG/AMP sequence variant interpretation guidelines (Richards et al. 2015 PMID: 25741868, with internal and published modifications).

Blueprint Genetics
Classification: Likely benign. Last evaluated: 2023-12-26. Review status: criteria provided, single submitter. Criteria: ACMG Guidelines, 2015. Collection method: clinical testing. Allele origin: germline.

Genome-Nilou Lab
Classification: Likely benign for Autosomal dominant nonsyndromic hearing loss 2A. Last evaluated: 2023-04-11. Review status: criteria provided, single submitter. Criteria: ACMG Guidelines, 2015. Collection method: clinical testing. Allele origin: germline. Affected: no.

GeneDx
Classification: Likely benign. Last evaluated: 2020-11-09. Review status: criteria provided, single submitter. Criteria: GeneDx Variant Classification Process June 2021. Collection method: clinical testing. Allele origin: germline. Affected: yes.

Laboratory for Molecular Medicine, Mass General Brigham Personalized Medicine
Classification: Likely benign. Last evaluated: 2012-04-30. Review status: criteria provided, single submitter. Criteria: LMM Criteria. Collection method: clinical testing. Allele origin: germline. Observed: 2 variant alleles.
Comment: Tyr556Tyr in Exon 12 of KCNQ4: This variant is not expected to have clinical sig nificance because it does not alter an amino acid residue, is not located within the splice consensus sequence, and has been identified in 1/3738 African Americ an chromosomes from a broad population by the NHLBI Exome Sequencing Project (dbSNP rs140945833).

NM_004700.4(KCNQ4):c.1668C>T (p.Tyr556=)

Gene: KCNQ4 (potassium voltage-gated channel subfamily Q member 4; plus strand). Cytogenetic location: 1p34.2.
Variant type: single nucleotide variant.
Coding change: c.1668C>T on transcript NM_004700.4 (MANE Select); coding-DNA position 1668, C replaced by T.
Protein change: p.Tyr556=; no amino-acid change (tyrosine 556 retained).
Molecular consequence: synonymous variant.
Genome position (GRCh38, 1-based): chr1:40,835,021, C>T. VCF-style: chr1-40835021-C-T. GRCh37 (hg19) VCF-style: chr1-41300693-C-T.
Other names: c.1506C>T, p.Tyr502= (NM_172163.3).
Identifiers: ClinVar variation 163755 (VCV000163755.9), dbSNP rs140945833, ClinGen allele CA176481.
Genomic context (GRCh38, chr1:40,835,021, plus strand): 5'-CAACAGGATTCTCAAGTTCCTGGTGGCCAAAAGGAAATTCAAGGAGACACTGCGACCGTA[C>T]GACGTGAAGGACGTCATTGAGCAGTACTCAGCAGGCCACCTGGACATGCTGGGCCGGATC-3'
Protein context (NP_004691.2, residues 546-566): KRKFKETLRP[Tyr556=]DVKDVIEQYS